The following is an entry in ClinVar:

NM_182476.3(COQ6):c.986G>A (p.Arg329His)

Genes: ENTPD5 (ectonucleoside triphosphate diphosphohydrolase 5; minus strand), COQ6 (coenzyme Q6, monooxygenase; plus strand). Cytogenetic location: 14q24.3.
Variant type: single nucleotide variant.
Coding change: c.986G>A on transcript NM_182476.3 (MANE Select); coding-DNA position 986, G replaced by A.
Protein change: p.Arg329His; replaces arginine 329 with histidine.
Molecular consequence: missense variant. On other transcripts: 3 prime UTR variant (1), intron variant (5).
Genome position (GRCh38, 1-based): chr14:73,961,267, G>A. VCF-style: chr14-73961267-G-A. GRCh37 (hg19) VCF-style: chr14-74427970-G-A.
Other names: c.986G>A, p.Arg329His (NM_001425255.1); c.878G>A, p.Arg293His (NM_001425256.1); c.821G>A, p.Arg274His (NM_001425257.1); c.803G>A, p.Arg268His (NM_001425258.1); c.761G>A, p.Arg254His (NM_001425259.1, NM_001425260.1, NM_001425261.1); c.731G>A, p.Arg244His (NM_001425262.1); c.659G>A, p.Arg220His (NM_001425263.1); c.446G>A, p.Arg149His (NM_001425264.1, NM_001425265.1); and 5 more; short protein forms R304H, R329H.
Identifiers: ClinVar variation 501128 (VCV000501128.14), dbSNP rs147273831, ClinGen allele CA7264408.

ClinVar aggregate classification (germline): Uncertain significance. Review status: criteria provided, multiple submitters, no conflicts (2 of 4 stars). 5 submissions from 5 submitters: Uncertain significance (5). Last evaluated 2026-09-25.

Conditions:
Familial steroid-resistant nephrotic syndrome with sensorineural deafness. Identifiers: Orphanet 280406, MedGen C3553349, MONDO:0013836, OMIM 614650.
Inborn genetic diseases. Identifiers: MedGen C0950123, MeSH D030342.

Allele frequency attached by ClinVar (database versions not stated): TOPMed 0.00023; 1000 Genomes Project 30x 0.00062; gnomAD exomes 0.00005; gnomAD 0.00029.
gnomAD v4.1: 135 of 1,612,672 alleles (0.0084%); highest among the groups gnomAD compares: African/African-American, 0.1%; no homozygotes.

Submissions (5):

GeneDx
Classification: Uncertain significance. Last evaluated: 2026-09-25. Review status: criteria provided, single submitter. Criteria: GeneDx Variant Classification Process June 2021. Collection method: clinical testing. Allele origin: germline.
Comment: In silico analysis supports that this missense variant has a deleterious effect on protein structure/function; Has not been previously published as pathogenic or benign to our knowledge

Fulgent Genetics
Classification: Uncertain significance for Familial steroid-resistant nephrotic syndrome with sensorineural deafness. Last evaluated: 2024-04-12. Review status: criteria provided, single submitter. Criteria: ACMG Guidelines, 2015. Collection method: clinical testing. Allele origin: germline.

Ambry Genetics
Classification: Uncertain significance for Inborn genetic diseases. Last evaluated: 2023-12-18. Review status: criteria provided, single submitter. Criteria: Ambry Variant Classification Scheme 2023. Collection method: clinical testing. Allele origin: germline.

Labcorp Genetics (formerly Invitae), Labcorp
Classification: Uncertain significance. Last evaluated: 2022-10-27. Review status: criteria provided, single submitter. Criteria: Invitae Variant Classification Sherloc (09022015). Collection method: clinical testing. Allele origin: germline.
Comment: This sequence change replaces arginine, which is basic and polar, with histidine, which is basic and polar, at codon 329 of the COQ6 protein (p.Arg329His). This variant is present in population databases (rs147273831, gnomAD 0.09%). This variant has not been reported in the literature in individuals affected with COQ6-related conditions. ClinVar contains an entry for this variant (Variation ID: 501128). Algorithms developed to predict the effect of missense changes on protein structure and function are either unavailable or do not agree on the potential impact of this missense change (SIFT: "Tolerated"; PolyPhen-2: "Probably Damaging"; Align-GVGD: "Class C0"). In summary, the available evidence is currently insufficient to determine the role of this variant in disease. Therefore, it has been classified as a Variant of Uncertain Significance.

Eurofins Ntd Llc (ga)
Classification: Uncertain significance. Last evaluated: 2017-04-07. Review status: criteria provided, single submitter. Criteria: EGL Classification Definitions 2015. Collection method: clinical testing. Allele origin: germline. Observed: 1 variant allele, 1 heterozygote.